The following is an entry in ClinVar:

NM_177438.3(DICER1):c.4129C>G (p.Pro1377Ala)

Gene: DICER1 (dicer 1, ribonuclease III; minus strand). Cytogenetic location: 14q32.13.
Variant type: single nucleotide variant.
Coding change: c.4129C>G on transcript NM_177438.3 (MANE Select); coding-DNA position 4129, C replaced by G.
Protein change: p.Pro1377Ala; replaces proline 1377 with alanine.
Molecular consequence: missense variant.
Genome position (GRCh38, 1-based): chr14:95,099,857, G>C on the plus strand (C>G on the coding strand, the complement: DICER1 is on the minus strand). VCF-style: chr14-95099857-G-C. GRCh37 (hg19) VCF-style: chr14-95566194-G-C.
Other names: c.4129C>G, p.Pro1377Ala (NM_001195573.1, NM_001271282.3, NM_001291628.2 and 1 more transcripts); short protein forms P1377A.
Identifiers: ClinVar variation 847380 (VCV000847380.12), dbSNP rs888888762, ClinGen allele CA265900692.

ClinVar aggregate classification (germline): Uncertain significance. Review status: criteria provided, multiple submitters, no conflicts (2 of 4 stars). 2 submissions from 2 submitters: Uncertain significance (2). Last evaluated 2026-02-04.

Conditions:
DICER1-related tumor predisposition. Also called: DICER1 syndrome; DICER1-related pleuropulmonary blastoma cancer predisposition syndrome. Identifiers: Orphanet 284343, MedGen C3839822, MONDO:0100216.
Hereditary cancer-predisposing syndrome. Also called: Hereditary Cancer Syndrome; Tumor predisposition; Neoplastic Syndromes, Hereditary; Hereditary neoplastic syndrome. Identifiers: Orphanet 140162, MedGen C0027672, MeSH D009386, MONDO:0015356.

Allele frequency attached by ClinVar (database versions not stated): TOPMed below 0.00001.

Submissions (2):

Ambry Genetics
Classification: Uncertain significance for Hereditary cancer-predisposing syndrome. Last evaluated: 2026-02-04. Review status: criteria provided, single submitter. Criteria: Ambry Variant Classification Scheme 2023. Collection method: clinical testing. Allele origin: germline.
Comment: The p.P1377A variant (also known as c.4129C>G), located in coding exon 21 of the DICER1 gene, results from a C to G substitution at nucleotide position 4129. The proline at codon 1377 is replaced by alanine, an amino acid with highly similar properties. This amino acid position is highly conserved in available vertebrate species. In addition, the in silico prediction for this alteration is inconclusive. Based on the available evidence, the clinical significance of this variant remains unclear.

Labcorp Genetics (formerly Invitae), Labcorp
Classification: Uncertain significance for DICER1-related tumor predisposition. Last evaluated: 2019-04-01. Review status: criteria provided, single submitter. Criteria: Invitae Variant Classification Sherloc (09022015). Collection method: clinical testing. Allele origin: germline.
Comment: In summary, the available evidence is currently insufficient to determine the role of this variant in disease. Therefore, it has been classified as a Variant of Uncertain Significance. Algorithms developed to predict the effect of missense changes on protein structure and function are either unavailable or do not agree on the potential impact of this missense change (SIFT: "Tolerated"; PolyPhen-2: "Possibly Damaging"; Align-GVGD: "Class C0"). This variant has not been reported in the literature in individuals with DICER1-related conditions. This variant is not present in population databases (ExAC no frequency). This sequence change replaces proline with alanine at codon 1377 of the DICER1 protein (p.Pro1377Ala). The proline residue is highly conserved and there is a small physicochemical difference between proline and alanine.